The following is an entry in ClinVar:

ClinVar aggregate classification (germline): Pathogenic (1 of 4 stars; one submission).

Allele frequency attached by ClinVar (database versions not stated): gnomAD exomes below 0.00001.
gnomAD v4.1: 4 of 1,614,160 alleles (0.00025%); highest among the groups gnomAD compares: Non-Finnish European, 0.00034%; no homozygotes.

Submission:

Labcorp Genetics (formerly Invitae), Labcorp
Classification: Pathogenic. Last evaluated: 2023-02-20. Review status: criteria provided, single submitter. Criteria: Invitae Variant Classification Sherloc (09022015). Collection method: clinical testing. Allele origin: germline.
Comment: For these reasons, this variant has been classified as Pathogenic. This variant has not been reported in the literature in individuals affected with SZT2-related conditions. This variant is not present in population databases (gnomAD no frequency). This sequence change creates a premature translational stop signal (p.Cys1180*) in the SZT2 gene. It is expected to result in an absent or disrupted protein product. Loss-of-function variants in SZT2 are known to be pathogenic (PMID: 23932106, 27248490, 28556953).

Literature cited by the submitters: PubMed 23932106; PubMed 27248490; PubMed 28556953.

NM_001365999.1(SZT2):c.3711T>A (p.Cys1237Ter)

Gene: SZT2 (SZT2 subunit of KICSTOR complex; plus strand). Cytogenetic location: 1p34.2.
Variant type: single nucleotide variant.
Coding change: c.3711T>A on transcript NM_001365999.1 (MANE Select); coding-DNA position 3711, T replaced by A.
Protein change: p.Cys1237Ter; replaces cysteine 1237 with a stop codon.
Molecular consequence: nonsense.
Genome position (GRCh38, 1-based): chr1:43,427,642, T>A. VCF-style: chr1-43427642-T-A. GRCh37 (hg19) VCF-style: chr1-43893313-T-A.
Other names: c.3540T>A, p.Cys1180Ter (NM_015284.4); short protein forms C1180*, C1237*.
Identifiers: ClinVar variation 2839219 (VCV002839219.3), dbSNP rs2545820139, ClinGen allele CA340018876.